The following is an entry in ClinVar:

ClinVar aggregate classification (germline): Uncertain significance. Review status: criteria provided, multiple submitters, no conflicts (2 of 4 stars). 2 submissions from 2 submitters: Uncertain significance (2). Last evaluated 2026-01-05.

Conditions:
Inborn genetic diseases. Identifiers: MedGen C0950123, MeSH D030342.

Submissions (2):

Labcorp Genetics (formerly Invitae), Labcorp
Classification: Uncertain significance. Last evaluated: 2026-01-05. Review status: criteria provided, single submitter. Criteria: Invitae Variant Classification Sherloc (09022015). Collection method: clinical testing. Allele origin: germline.
Comment: This sequence change replaces asparagine, which is neutral and polar, with threonine, which is neutral and polar, at codon 110 of the PGK1 protein (p.Asn110Thr). This variant is not present in population databases (gnomAD no frequency). This variant has not been reported in the literature in individuals affected with PGK1-related conditions. ClinVar contains an entry for this variant (Variation ID: 1345879). Invitae Evidence Modeling of protein sequence and biophysical properties (such as structural, functional, and spatial information, amino acid conservation, physicochemical variation, residue mobility, and thermodynamic stability) indicates that this missense variant is not expected to disrupt PGK1 protein function with a negative predictive value of 80%. In summary, the available evidence is currently insufficient to determine the role of this variant in disease. Therefore, it has been classified as a Variant of Uncertain Significance.

Ambry Genetics
Classification: Uncertain significance for Inborn genetic diseases. Last evaluated: 2025-12-04. Review status: criteria provided, single submitter. Criteria: Ambry Variant Classification Scheme 2023. Collection method: clinical testing. Allele origin: germline.

NM_000291.4(PGK1):c.329A>C (p.Asn110Thr)

Gene: PGK1 (phosphoglycerate kinase 1; plus strand). Cytogenetic location: Xq21.1.
Variant type: single nucleotide variant.
Coding change: c.329A>C on transcript NM_000291.4 (MANE Select); coding-DNA position 329, A replaced by C.
Protein change: p.Asn110Thr; replaces asparagine 110 with threonine.
Molecular consequence: missense variant.
Genome position (GRCh38, 1-based): chrX:78,114,072, A>C. VCF-style: chrX-78114072-A-C. GRCh37 (hg19) VCF-style: chrX-77369569-A-C.
Other names: c.329A>C (NM_000291.3); short protein forms N110T.
Identifiers: ClinVar variation 1345879 (VCV001345879.7), dbSNP rs1557247192, ClinGen allele CA413719713.